The following is an entry in ClinVar:

NM_018192.4(P3H2):c.1180A>G (p.Thr394Ala)

Gene: P3H2 (prolyl 3-hydroxylase 2; minus strand). Cytogenetic location: 3q28.
Variant type: single nucleotide variant.
Coding change: c.1180A>G on transcript NM_018192.4 (MANE Select); coding-DNA position 1180, A replaced by G.
Protein change: p.Thr394Ala; replaces threonine 394 with alanine.
Molecular consequence: missense variant.
Genome position (GRCh38, 1-based): chr3:189,986,796, T>C on the plus strand (A>G on the coding strand, the complement: P3H2 is on the minus strand). VCF-style: chr3-189986796-T-C. GRCh37 (hg19) VCF-style: chr3-189704585-T-C.
Other names: c.637A>G, p.Thr213Ala (NM_001134418.2); short protein forms T213A, T394A.
Identifiers: ClinVar variation 959560 (VCV000959560.4), dbSNP rs377460199, ClinGen allele CA2753061.

ClinVar aggregate classification (germline): Uncertain significance (1 of 4 stars; one submission).

Allele frequency attached by ClinVar (database versions not stated): ExAC 0.00002; gnomAD exomes 0.00002 and 0.00010; TOPMed 0.00004; gnomAD 0.00005; ESP Exome Variant Server 0.00008.
gnomAD v4.1: 142 of 1,601,048 alleles (0.0089%); highest among the groups gnomAD compares: Non-Finnish European, 0.012%; no homozygotes.

Submission:

Labcorp Genetics (formerly Invitae), Labcorp
Classification: Uncertain significance. Last evaluated: 2022-09-01. Review status: criteria provided, single submitter. Criteria: Invitae Variant Classification Sherloc (09022015). Collection method: clinical testing. Allele origin: germline.
Comment: This sequence change replaces threonine, which is neutral and polar, with alanine, which is neutral and non-polar, at codon 394 of the P3H2 protein (p.Thr394Ala). This variant is present in population databases (rs377460199, gnomAD 0.004%). This variant has not been reported in the literature in individuals affected with P3H2-related conditions. ClinVar contains an entry for this variant (Variation ID: 959560). Algorithms developed to predict the effect of missense changes on protein structure and function output the following: SIFT: "Tolerated"; PolyPhen-2: "Benign"; Align-GVGD: "Class C0". The alanine amino acid residue is found in multiple mammalian species, which suggests that this missense change does not adversely affect protein function. In summary, the available evidence is currently insufficient to determine the role of this variant in disease. Therefore, it has been classified as a Variant of Uncertain Significance.